The following is an entry in ClinVar:

NM_139318.5(KCNH5):c.463G>A (p.Ala155Thr)

Gene: KCNH5 (potassium voltage-gated channel subfamily H member 5; minus strand). Cytogenetic location: 14q23.2.
Variant type: single nucleotide variant.
Coding change: c.463G>A on transcript NM_139318.5 (MANE Select); coding-DNA position 463, G replaced by A.
Protein change: p.Ala155Thr; replaces alanine 155 with threonine.
Molecular consequence: missense variant.
Genome position (GRCh38, 1-based): chr14:62,987,158, C>T on the plus strand (G>A on the coding strand, the complement: KCNH5 is on the minus strand). VCF-style: chr14-62987158-C-T. GRCh37 (hg19) VCF-style: chr14-63453876-C-T.
Other names: c.463G>A, p.Ala155Thr (NM_172375.3); short protein forms A155T.
Identifiers: ClinVar variation 1489348 (VCV001489348.7), dbSNP rs2139575336, ClinGen allele CA390104871.

ClinVar aggregate classification (germline): Uncertain significance (1 of 4 stars; one submission).

Conditions:
Early-infantile DEE. Also called: Early infantile epileptic encephalopathy; Early infantile epileptic encephalopathy with suppression bursts; Ohtahara syndrome. Identifiers: Orphanet 1934, MedGen C0393706, MONDO:0800491.

Allele frequency attached by ClinVar (database versions not stated): gnomAD exomes below 0.00001.
gnomAD v4.1: 1 of 1,613,444 alleles (0.000062%); highest among the groups gnomAD compares: Non-Finnish European, 0.000085%; no homozygotes.

Submission:

Labcorp Genetics (formerly Invitae), Labcorp
Classification: Uncertain significance for Early-infantile DEE. Last evaluated: 2025-02-15. Review status: criteria provided, single submitter. Criteria: Invitae Variant Classification Sherloc (09022015). Collection method: clinical testing. Allele origin: germline.
Comment: This sequence change replaces alanine, which is neutral and non-polar, with threonine, which is neutral and polar, at codon 155 of the KCNH5 protein (p.Ala155Thr). This variant is not present in population databases (gnomAD no frequency). This variant has not been reported in the literature in individuals affected with KCNH5-related conditions. ClinVar contains an entry for this variant (Variation ID: 1489348). Invitae Evidence Modeling of protein sequence and biophysical properties (such as structural, functional, and spatial information, amino acid conservation, physicochemical variation, residue mobility, and thermodynamic stability) indicates that this missense variant is not expected to disrupt KCNH5 protein function with a negative predictive value of 80%. In summary, the available evidence is currently insufficient to determine the role of this variant in disease. Therefore, it has been classified as a Variant of Uncertain Significance.